The following is an entry in ClinVar:

NM_006904.7(PRKDC):c.1818A>G (p.Ser606=)

Gene: PRKDC (protein kinase, DNA-activated, catalytic subunit; minus strand). Cytogenetic location: 8q11.21.
Variant type: single nucleotide variant.
Coding change: c.1818A>G on transcript NM_006904.7 (MANE Select); coding-DNA position 1818, A replaced by G.
Protein change: p.Ser606=; no amino-acid change (serine 606 retained).
Molecular consequence: synonymous variant.
Genome position (GRCh38, 1-based): chr8:47,930,746, T>C on the plus strand (A>G on the coding strand, the complement: PRKDC is on the minus strand). VCF-style: chr8-47930746-T-C. GRCh37 (hg19) VCF-style: chr8-48843306-T-C.
Other names: c.1818A>G, p.Ser606= (NM_001081640.2).
Identifiers: ClinVar variation 542020 (VCV000542020.17), dbSNP rs368804788, ClinGen allele CA4741630.

ClinVar aggregate classification (germline): Likely benign. Review status: criteria provided, multiple submitters, no conflicts (2 of 4 stars). 4 submissions from 4 submitters: Likely benign (3). 1 of the submissions does not count toward it. Last evaluated 2026-01-27.

Conditions:
PRKDC-related disorder. Also called: PRKDC-related condition.
Severe combined immunodeficiency due to DNA-PKcs deficiency. Also called: IMMUNODEFICIENCY 26 WITH NEUROLOGIC ABNORMALITIES; Immunodeficiency 26 with or without neurologic abnormalities. Identifiers: Orphanet 317425, MedGen C4014833, MONDO:0014423, OMIM 615966.

Allele frequency attached by ClinVar (database versions not stated): 1000 Genomes Project 0.00020; gnomAD exomes 0.00023 and 0.00053; ESP Exome Variant Server 0.00025; TOPMed 0.00029; 1000 Genomes Project 30x 0.00031; gnomAD 0.00036 and 0.00037; ExAC 0.00061.
gnomAD v4.1: 822 of 1,590,880 alleles (0.052%); highest among the groups gnomAD compares: Non-Finnish European, 0.065%; 1 homozygote.

Submissions (4):

Labcorp Genetics (formerly Invitae), Labcorp
Classification: Likely benign for Severe combined immunodeficiency due to DNA-PKcs deficiency. Last evaluated: 2026-01-27. Review status: criteria provided, single submitter. Criteria: Invitae Variant Classification Sherloc (09022015). Collection method: clinical testing. Allele origin: germline.

Blueprint Genetics
Classification: Likely benign. Last evaluated: 2024-03-04. Review status: criteria provided, single submitter. Criteria: ACMG Guidelines, 2015. Collection method: clinical testing. Allele origin: germline.

Ambry Genetics
Classification: Likely benign. Last evaluated: 2022-02-12. Review status: criteria provided, single submitter. Criteria: Ambry Variant Classification Scheme 2023. Collection method: clinical testing. Allele origin: germline.

PreventionGenetics, part of Exact Sciences
Classification: Likely benign for PRKDC-related condition. Last evaluated: 2020-12-07. Review status: no assertion criteria provided. Collection method: clinical testing. Allele origin: germline. Not counted in ClinVar's aggregate classification.
Comment: This variant is classified as likely benign based on ACMG/AMP sequence variant interpretation guidelines (Richards et al. 2015 PMID: 25741868, with internal and published modifications).